The following is an entry in ClinVar:

ClinVar aggregate classification (germline): Uncertain significance (1 of 4 stars; one submission).

Submission:

Labcorp Genetics (formerly Invitae), Labcorp
Classification: Uncertain significance. Last evaluated: 2023-12-07. Review status: criteria provided, single submitter. Criteria: Invitae Variant Classification Sherloc (09022015). Collection method: clinical testing. Allele origin: germline.
Comment: This sequence change replaces lysine, which is basic and polar, with threonine, which is neutral and polar, at codon 356 of the PLVAP protein (p.Lys356Thr). This variant is not present in population databases (gnomAD no frequency). This variant has not been reported in the literature in individuals affected with PLVAP-related conditions. Advanced modeling of protein sequence and biophysical properties (such as structural, functional, and spatial information, amino acid conservation, physicochemical variation, residue mobility, and thermodynamic stability) performed at Invitae indicates that this missense variant is expected to disrupt PLVAP protein function with a positive predictive value of 80%. In summary, the available evidence is currently insufficient to determine the role of this variant in disease. Therefore, it has been classified as a Variant of Uncertain Significance.

NM_031310.3(PLVAP):c.1067A>C (p.Lys356Thr)

Gene: PLVAP (plasmalemma vesicle associated protein; minus strand). Cytogenetic location: 19p13.11.
Variant type: single nucleotide variant.
Coding change: c.1067A>C on transcript NM_031310.3 (MANE Select); coding-DNA position 1067, A replaced by C.
Protein change: p.Lys356Thr; replaces lysine 356 with threonine.
Molecular consequence: missense variant.
Genome position (GRCh38, 1-based): chr19:17,365,398, T>G on the plus strand (A>C on the coding strand, the complement: PLVAP is on the minus strand). VCF-style: chr19-17365398-T-G. GRCh37 (hg19) VCF-style: chr19-17476207-T-G.
Other names: short protein forms K356T.
Identifiers: ClinVar variation 2700713 (VCV002700713.3), dbSNP rs2513228850, ClinGen allele CA404673014.